The following is an entry in ClinVar:

ClinVar aggregate classification (germline): Uncertain significance. Review status: criteria provided, multiple submitters, no conflicts (2 of 4 stars). 2 submissions from 2 submitters: Uncertain significance (2). Last evaluated 2023-12-23.

Conditions:
Hereditary cancer-predisposing syndrome. Also called: Tumor predisposition; Hereditary neoplastic syndrome; Neoplastic Syndromes, Hereditary; Hereditary Cancer Syndrome. Identifiers: Orphanet 140162, MedGen C0027672, MeSH D009386, MONDO:0015356.

Allele frequency attached by ClinVar (database versions not stated): gnomAD exomes below 0.00001.
gnomAD v4.1: 2 of 1,614,066 alleles (0.00012%); highest among the groups gnomAD compares: Admixed American, 0.0017%; no homozygotes.

Submissions (2):

Ambry Genetics
Classification: Uncertain significance for Hereditary cancer-predisposing syndrome. Last evaluated: 2023-12-23. Review status: criteria provided, single submitter. Criteria: Ambry Variant Classification Scheme 2023. Collection method: clinical testing. Allele origin: germline.
Comment: The p.M899T variant (also known as c.2696T>C), located in coding exon 20 of the MSH3 gene, results from a T to C substitution at nucleotide position 2696. The methionine at codon 899 is replaced by threonine, an amino acid with similar properties. This amino acid position is conserved. In addition, this alteration is predicted to be deleterious by in silico analysis. Since supporting evidence is limited at this time, the clinical significance of this alteration remains unclear.

Labcorp Genetics (formerly Invitae), Labcorp
Classification: Uncertain significance. Last evaluated: 2021-07-28. Review status: criteria provided, single submitter. Criteria: Invitae Variant Classification Sherloc (09022015). Collection method: clinical testing. Allele origin: germline.
Comment: This sequence change replaces methionine with threonine at codon 899 of the MSH3 protein (p.Met899Thr). The methionine residue is moderately conserved and there is a moderate physicochemical difference between methionine and threonine. This variant is not present in population databases (ExAC no frequency). This variant has not been reported in the literature in individuals affected with MSH3-related conditions. Algorithms developed to predict the effect of missense changes on protein structure and function are either unavailable or do not agree on the potential impact of this missense change (SIFT: "Deleterious"; PolyPhen-2: "Probably Damaging"; Align-GVGD: "Class C0"). In summary, the available evidence is currently insufficient to determine the role of this variant in disease. Therefore, it has been classified as a Variant of Uncertain Significance.

NM_002439.5(MSH3):c.2696T>C (p.Met899Thr)

Gene: MSH3 (mutS homolog 3; plus strand). Cytogenetic location: 5q14.1.
Variant type: single nucleotide variant.
Coding change: c.2696T>C on transcript NM_002439.5 (MANE Select); coding-DNA position 2696, T replaced by C.
Protein change: p.Met899Thr; replaces methionine 899 with threonine.
Molecular consequence: missense variant.
Genome position (GRCh38, 1-based): chr5:80,813,624, T>C. VCF-style: chr5-80813624-T-C. GRCh37 (hg19) VCF-style: chr5-80109443-T-C.
Other names: c.2696T>C (NM_002439.3); short protein forms M899T.
Identifiers: ClinVar variation 1492268 (VCV001492268.7), dbSNP rs1176811235, ClinGen allele CA360273887.
Genomic context (GRCh38, chr5:80,813,624, plus strand): 5'-AATTCCTTTCTAATTTTCAGGAGGACTCAGAGAGAGTAATGATAATTACCGGACCAAACA[T>C]GGGTGGAAAGAGCTCCTACATAAAACAAGTTGCATTGATTACCATCATGGCTCAGATTGG-3'
Protein context (NP_002430.3, residues 889-909): ERVMIITGPN[Met899Thr]GGKSSYIKQV